The following is an entry in ClinVar:

ClinVar aggregate classification (germline): Uncertain significance (1 of 4 stars; one submission).

Allele frequency attached by ClinVar (database versions not stated): ExAC 0.00001; gnomAD 0.00002; TOPMed 0.00002.
gnomAD v4.1: 19 of 1,609,424 alleles (0.0012%); highest among the groups gnomAD compares: Middle Eastern, 0.016%; no homozygotes.

Submission:

Labcorp Genetics (formerly Invitae), Labcorp
Classification: Uncertain significance. Last evaluated: 2022-06-21. Review status: criteria provided, single submitter. Criteria: Invitae Variant Classification Sherloc (09022015). Collection method: clinical testing. Allele origin: germline.
Comment: This sequence change replaces arginine, which is basic and polar, with glutamine, which is neutral and polar, at codon 642 of the HACE1 protein (p.Arg642Gln). This variant is present in population databases (rs745380889, gnomAD 0.003%). This variant has not been reported in the literature in individuals affected with HACE1-related conditions. Algorithms developed to predict the effect of missense changes on protein structure and function are either unavailable or do not agree on the potential impact of this missense change (SIFT: "Deleterious"; PolyPhen-2: "Benign"; Align-GVGD: "Class C0"). Algorithms developed to predict the effect of sequence changes on RNA splicing suggest that this variant may create or strengthen a splice site. In summary, the available evidence is currently insufficient to determine the role of this variant in disease. Therefore, it has been classified as a Variant of Uncertain Significance.

NM_020771.4(HACE1):c.1925G>A (p.Arg642Gln)

Gene: HACE1 (HECT domain and ankyrin repeat containing E3 ubiquitin protein ligase 1; minus strand). Cytogenetic location: 6q16.3.
Variant type: single nucleotide variant.
Coding change: c.1925G>A on transcript NM_020771.4 (MANE Select); coding-DNA position 1925, G replaced by A.
Protein change: p.Arg642Gln; replaces arginine 642 with glutamine.
Molecular consequence: missense variant. On other transcripts: non-coding transcript variant (7).
Genome position (GRCh38, 1-based): chr6:104,772,014, C>T on the plus strand (G>A on the coding strand, the complement: HACE1 is on the minus strand). VCF-style: chr6-104772014-C-T. GRCh37 (hg19) VCF-style: chr6-105219889-C-T.
Other names: c.1793G>A, p.Arg598Gln (NM_001321080.2); c.1823G>A, p.Arg608Gln (NM_001321083.2); c.1421G>A, p.Arg474Gln (NM_001321084.2, NM_001350557.2, NM_001350558.2); c.1691G>A, p.Arg564Gln (NM_001350554.2); c.1634G>A, p.Arg545Gln (NM_001350555.2); c.1439G>A, p.Arg480Gln (NM_001350556.2); c.1343G>A, p.Arg448Gln (NM_001350559.2); c.1142G>A, p.Arg381Gln (NM_001350560.2); short protein forms R381Q, R448Q, R474Q, R480Q, R545Q, R564Q, R598Q, R608Q.
Identifiers: ClinVar variation 2418261 (VCV002418261.2), dbSNP rs745380889, ClinGen allele CA3940131.